The following is an entry in ClinVar:

NM_007294.4(BRCA1):c.5493_5494insTT (p.Val1832fs)

Gene: BRCA1 (BRCA1 DNA repair associated; minus strand). Cytogenetic location: 17q21.31.
Variant type: Insertion.
Coding change: c.5493_5494insTT on transcript NM_007294.4 (MANE Select); coding-DNA positions 5493 to 5494, TT inserted.
Protein change: p.Val1832fs; shifts the reading frame from valine 1832.
Molecular consequence: frameshift variant. On other transcripts: 3 prime UTR variant (1), non-coding transcript variant (1).
Genome position: GRCh38 VCF-style: chr17-43045776-C-CAA. GRCh37 (hg19) VCF-style: chr17-41197793-C-CAA.
Other names: 5612insTT; c.5493_5494insTT, p.Val1832fs (NM_007294.3); c.5279_5280insTT, p.Val1761Leufs (NM_001407571.1, NM_001407894.1, NM_001407895.1 and 12 more transcripts); c.5558_5559insTT, p.Val1854Leufs (NM_001407581.1, NM_001407582.1); c.5555_5556insTT, p.Val1853Leufs (NM_001407583.1, NM_001407585.1, NM_001407587.1); c.5552_5553insTT, p.Val1852Leufs (NM_001407590.1, NM_001407591.1); c.5492_5493insTT, p.Val1832Leufs (NM_001407593.1, NM_001407594.1, NM_001407596.1 and 5 more transcripts); c.5489_5490insTT, p.Val1831Leufs (NM_001407610.1, NM_001407611.1, NM_001407612.1 and 14 more transcripts); and 79 more; short protein forms V1832fs, V1853fs, V1785fs, V728fs.
Identifiers: ClinVar variation 266555 (VCV000266555.6), dbSNP rs886040298, ClinGen allele CA10589590.

ClinVar aggregate classification (germline): Pathogenic. Review status: reviewed by expert panel (3 of 4 stars). 3 submissions from 3 submitters: Pathogenic (1). 2 of the submissions do not count toward it. Last evaluated 2016-10-18.

Conditions:
Hereditary breast ovarian cancer syndrome. Also called: Hereditary breast and ovarian cancer syndrome (HBOC); Breast and ovarian cancer; Hereditary breast and ovarian cancer syndrome; Hereditary breast and ovarian cancer; BRCA1- and BRCA2-Associated Hereditary Breast and Ovarian Cancer; Hereditary breast and/or ovarian cancer syndrome. Identifiers: Orphanet 145, MedGen C0677776, MeSH D061325, MONDO:0003582. Disease mechanism: loss of function.
Breast-ovarian cancer, familial, susceptibility to, 1 (BROVCA1). Also called: BRCA1 Hereditary Breast and Ovarian Cancer; OVARIAN CANCER, SUSCEPTIBILITY TO. Identifiers: Orphanet 145, MedGen C2676676, MONDO:0011450, OMIM 604370. Disease mechanism: loss of function.

Submissions (3):

Evidence-based Network for the Interpretation of Germline Mutant Alleles (ENIGMA)
Classification: Pathogenic for Breast-ovarian cancer, familial, susceptibility to, 1. Last evaluated: 2016-10-18. Review status: reviewed by expert panel. Criteria: ENIGMA BRCA1/2 Classification Criteria (2015). Collection method: curation. Allele origin: germline.
Comment: Variant allele predicted to encode a truncated non-functional protein.

Consortium of Investigators of Modifiers of BRCA1/2 (CIMBA), c/o University of Cambridge
Classification: Pathogenic for Breast-ovarian cancer, familial, susceptibility to, 1. Last evaluated: 2015-10-02. Review status: criteria provided, single submitter. Criteria: CIMBA Mutation Classification guidelines May 2016. Collection method: clinical testing. Allele origin: germline. Not counted in ClinVar's aggregate classification.

Research Molecular Genetics Laboratory, Women's College Hospital, University of Toronto
Classification: Pathogenic for Hereditary breast ovarian cancer syndrome. Last evaluated: 2014-01-31. Review status: no assertion criteria provided. Collection method: research. Allele origin: germline. Affected: yes. Study: The Canadian Open Genetics Repository (COGR). Not counted in ClinVar's aggregate classification.